The following is an entry in ClinVar:

NM_020203.6(MEPE):c.717C>T (p.Ser239=)

Genes: MEPE (matrix extracellular phosphoglycoprotein; plus strand), MEPE-AS1 (MEPE and IBSP antisense RNA 1; minus strand). Cytogenetic location: 4q22.1.
Variant type: single nucleotide variant.
Coding change: c.717C>T on transcript NM_020203.6 (MANE Select); coding-DNA position 717, C replaced by T.
Protein change: p.Ser239=; no amino-acid change (serine 239 retained).
Molecular consequence: synonymous variant.
Genome position (GRCh38, 1-based): chr4:87,845,585, C>T. VCF-style: chr4-87845585-C-T. GRCh37 (hg19) VCF-style: chr4-88766737-C-T.
Other names: c.717C>T, p.Ser239= (NM_001184694.3); c.378C>T, p.Ser126= (NM_001184695.4, NM_001184696.2, NM_001184697.2); c.810C>T, p.Ser270= (NM_001291183.2).
Identifiers: ClinVar variation 3043442 (VCV003043442.2), dbSNP rs150454926, ClinGen allele CA3002711.
Genomic context (GRCh38, chr4:87,845,585, plus strand): 5'-CATTGACTACCTAAAACATCTCTCAAAAGTCAAAAAAATCCCCAGTGATTTTGAAGGCAG[C>T]GGTTATACAGATCTTCAAGAGAGAGGGGACAATGATATATCTCCTTTCAGTGGGGACGGC-3'
Protein context (NP_064588.1, residues 229-249): VKKIPSDFEG[Ser239=]GYTDLQERGD

ClinVar aggregate classification (germline): Likely benign (0 of 4 stars; one submission).

Conditions:
MEPE-related disorder. Also called: MEPE-related condition.

Allele frequency attached by ClinVar (database versions not stated): gnomAD exomes 0.00063; TOPMed 0.00084; ESP Exome Variant Server 0.00092; gnomAD 0.00099; ExAC 0.00148; 1000 Genomes Project 0.00339; 1000 Genomes Project 30x 0.00344.
gnomAD v4.1: 1,084 of 1,612,934 alleles (0.067%); highest among the groups gnomAD compares: South Asian, 0.52%; 8 homozygotes.

Submission:

PreventionGenetics, part of Exact Sciences
Classification: Likely benign for MEPE-related condition. Last evaluated: 2020-01-07. Review status: no assertion criteria provided. Collection method: clinical testing. Allele origin: germline.
Comment: This variant is classified as likely benign based on ACMG/AMP sequence variant interpretation guidelines (Richards et al. 2015 PMID: 25741868, with internal and published modifications).